The following is an entry in ClinVar:

NM_152490.5(B3GALNT2):c.629T>G (p.Val210Gly)

Gene: B3GALNT2 (beta-1,3-N-acetylgalactosaminyltransferase 2; minus strand). Cytogenetic location: 1q42.3.
Variant type: single nucleotide variant.
Coding change: c.629T>G on transcript NM_152490.5 (MANE Select); coding-DNA position 629, T replaced by G.
Protein change: p.Val210Gly; replaces valine 210 with glycine.
Molecular consequence: missense variant.
Genome position (GRCh38, 1-based): chr1:235,480,076, A>C on the plus strand (T>G on the coding strand, the complement: B3GALNT2 is on the minus strand). VCF-style: chr1-235480076-A-C. GRCh37 (hg19) VCF-style: chr1-235643392-A-C.
Other names: c.752T>G, p.Val251Gly (NM_001277155.3); short protein forms V251G, V210G.
Identifiers: ClinVar variation 863743 (VCV000863743.7), dbSNP rs754911016, ClinGen allele CA1464862.

ClinVar aggregate classification (germline): Uncertain significance (1 of 4 stars; one submission).

Conditions:
Muscular dystrophy-dystroglycanopathy (congenital with brain and eye anomalies), type a, 11 (MDDGA11). Also called: WALKER-WARBURG SYNDROME OR MUSCLE-EYE-BRAIN DISEASE, B3GALNT2-RELATED; Congenital muscular dystrophy-dystroglycanopathy with brain and eye anomalies, type A11; Muscular dystrophy-dystroglycanopathy (congenital with brain and eye anomalies, type A, 11. Identifiers: Orphanet 588, Orphanet 899, MedGen C3554638, MONDO:0014071, OMIM 615181.

Allele frequency attached by ClinVar (database versions not stated): gnomAD exomes below 0.00001; ExAC 0.00001.
gnomAD v4.1: 2 of 1,613,886 alleles (0.00012%); highest among the groups gnomAD compares: Non-Finnish European, 0.00017%; no homozygotes.

Submission:

Labcorp Genetics (formerly Invitae), Labcorp
Classification: Uncertain significance for Muscular dystrophy-dystroglycanopathy (congenital with brain and eye anomalies), type a, 11. Last evaluated: 2024-12-02. Review status: criteria provided, single submitter. Criteria: Invitae Variant Classification Sherloc (09022015). Collection method: clinical testing. Allele origin: germline.
Comment: This sequence change replaces valine, which is neutral and non-polar, with glycine, which is neutral and non-polar, at codon 210 of the B3GALNT2 protein (p.Val210Gly). This variant is present in population databases (rs754911016, gnomAD 0.0009%). This variant has not been reported in the literature in individuals affected with B3GALNT2-related conditions. ClinVar contains an entry for this variant (Variation ID: 863743). Invitae Evidence Modeling of protein sequence and biophysical properties (such as structural, functional, and spatial information, amino acid conservation, physicochemical variation, residue mobility, and thermodynamic stability) indicates that this missense variant is not expected to disrupt B3GALNT2 protein function with a negative predictive value of 80%. In summary, the available evidence is currently insufficient to determine the role of this variant in disease. Therefore, it has been classified as a Variant of Uncertain Significance.